The following is an entry in ClinVar:

NM_001375405.1(CEP120):c.2290C>G (p.His764Asp)

Gene: CEP120 (centrosomal protein 120; minus strand). Cytogenetic location: 5q23.2.
Variant type: single nucleotide variant.
Coding change: c.2290C>G on transcript NM_001375405.1 (MANE Select); coding-DNA position 2290, C replaced by G.
Protein change: p.His764Asp; replaces histidine 764 with aspartic acid.
Molecular consequence: missense variant. On other transcripts: non-coding transcript variant (1).
Genome position (GRCh38, 1-based): chr5:123,377,442, G>C on the plus strand (C>G on the coding strand, the complement: CEP120 is on the minus strand). VCF-style: chr5-123377442-G-C. GRCh37 (hg19) VCF-style: chr5-122713136-G-C.
Other names: c.2212C>G, p.His738Asp (NM_001166226.2); c.2155C>G, p.His719Asp (NM_001375406.1); c.2290C>G, p.His764Asp (NM_001375407.1, NM_153223.4); c.1717C>G, p.His573Asp (NM_001375408.1, NM_001375409.1); short protein forms H573D, H719D, H738D, H764D.
Identifiers: ClinVar variation 4527521 (VCV004527521.1).

ClinVar aggregate classification (germline): Uncertain significance (1 of 4 stars; one submission).

Submission:

GeneDx
Classification: Uncertain significance. Last evaluated: 2025-05-02. Review status: criteria provided, single submitter. Criteria: GeneDx Variant Classification Process June 2021. Collection method: clinical testing. Allele origin: germline. Affected: yes.
Comment: Not observed at significant frequency in large population cohorts (gnomAD); In silico analysis supports that this missense variant has a deleterious effect on protein structure/function; Has not been previously published as pathogenic or benign to our knowledge